The following is an entry in ClinVar:

ClinVar aggregate classification (germline): Uncertain significance (1 of 4 stars; one submission).

Conditions:
Hereditary spastic paraplegia 11. Also called: Spastic Paraplegia 11; SPASTIC PARAPLEGIA, AUTOSOMAL RECESSIVE, COMPLICATED, WITH THIN CORPUS CALLOSUM; SPASTIC PARAPLEGIA, AUTOSOMAL RECESSIVE, WITH MENTAL IMPAIRMENT AND THIN CORPUS CALLOSUM; Spastic paraplegia, mental retardation and thin corpus callosum; Nakamura Osame syndrome; Autosomal recessive hereditary spastic paraplegia, mental impairment, and thin corpus callosum. Identifiers: Orphanet 2822, MedGen C1858479, MONDO:0011445, OMIM 604360.

Allele frequency attached by ClinVar (database versions not stated): gnomAD 0.00001.
gnomAD v4.1: 1 of 1,605,736 alleles (0.000062%); highest among the groups gnomAD compares: Non-Finnish European, 0.000085%; no homozygotes.

Submission:

Labcorp Genetics (formerly Invitae), Labcorp
Classification: Uncertain significance for Hereditary spastic paraplegia 11. Last evaluated: 2020-07-08. Review status: criteria provided, single submitter. Criteria: Invitae Variant Classification Sherloc (09022015). Collection method: clinical testing. Allele origin: germline.
Comment: In summary, the available evidence is currently insufficient to determine the role of this variant in disease. Therefore, it has been classified as a Variant of Uncertain Significance. Algorithms developed to predict the effect of missense changes on protein structure and function output the following: SIFT: "Tolerated"; PolyPhen-2: "Probably Damaging"; Align-GVGD: "Class C0". The methionine amino acid residue is found in multiple mammalian species, suggesting that this missense change does not adversely affect protein function. These predictions have not been confirmed by published functional studies and their clinical significance is uncertain. This variant has not been reported in the literature in individuals with SPG11-related conditions. This variant is not present in population databases (ExAC no frequency). This sequence change replaces valine with methionine at codon 2187 of the SPG11 protein (p.Val2187Met). The valine residue is highly conserved and there is a small physicochemical difference between valine and methionine.

NM_025137.4(SPG11):c.6559G>A (p.Val2187Met)

Gene: SPG11 (SPG11 vesicle trafficking associated, spatacsin; minus strand). Cytogenetic location: 15q21.1.
Variant type: single nucleotide variant.
Coding change: c.6559G>A on transcript NM_025137.4 (MANE Select); coding-DNA position 6559, G replaced by A.
Protein change: p.Val2187Met; replaces valine 2187 with methionine.
Molecular consequence: missense variant.
Genome position (GRCh38, 1-based): chr15:44,569,424, C>T on the plus strand (G>A on the coding strand, the complement: SPG11 is on the minus strand). VCF-style: chr15-44569424-C-T. GRCh37 (hg19) VCF-style: chr15-44861622-C-T.
Other names: c.6220G>A, p.Val2074Met (NM_001160227.2); short protein forms V2187M, V2074M.
Identifiers: ClinVar variation 1035508 (VCV001035508.8), dbSNP rs2082372397, ClinGen allele CA392215782.